The following is an entry in ClinVar:

ClinVar aggregate classification (germline): Pathogenic (0 of 4 stars; one submission).

Conditions:
Alveolar capillary dysplasia with pulmonary venous misalignment. Also called: Alveolar capillary dysplasia with misalignment of pulmonary veins; Congenital alveolar capillary dysplasia; ALVEOLAR CAPILLARY DYSPLASIA WITH MISALIGNMENT OF PULMONARY VEINS AND OTHER CONGENITAL ANOMALIES. Identifiers: Orphanet 210122, MedGen C2960310, MONDO:0009934, OMIM 265380.

Submission:

Rady Children's Institute for Genomic Medicine, Rady Children's Hospital San Diego
Classification: Pathogenic for Alveolar capillary dysplasia with pulmonary venous misalignment. Last evaluated: 2020-10-09. Review status: no assertion criteria provided. Collection method: clinical testing. Allele origin: germline. Affected: yes.
Comment: This frameshift variant is found in the last exon of FOXF1 and it is therefore predicted to escape nonsense-mediated mRNA decay (NMD). This variant has not been previously reported or functionally characterized in the literature to our knowledge. Loss-of-function variants, downstream of c.1070_1080del (p.His357ArgfsTer50) have been reported as disease causing in the ClinVar and HGMD databases. The c.1070_1080del (p.His357ArgfsTer50) variant is absent from the gnomAD population database and thus is presumed to be rare. Analysis of the parental samples was negative for the variant, indicating this variant likely occurred as a de novo event. Based on the available evidence, the c.1070_1080del (p.His357ArgfsTer50) variant is classified as Pathogenic.

NM_001451.3(FOXF1):c.1070_1080del (p.His357fs)

Gene: FOXF1 (forkhead box F1; plus strand). Cytogenetic location: 16q24.1.
Variant type: Deletion.
Coding change: c.1070_1080del on transcript NM_001451.3 (MANE Select); coding-DNA positions 1070 to 1080, 11 bases deleted (ACTCGGCCGGC).
Protein change: p.His357fs; shifts the reading frame from histidine 357.
Molecular consequence: frameshift variant.
Genome position (GRCh38, 1-based): chr16:86,513,015-86,513,025, ACTCGGCCGGC deleted; deleting any 11 consecutive bases within chr16:86,513,013-86,513,025 gives the same sequence; the c. name uses the placement nearest the transcript's 3' end. VCF-style (leftmost placement, unchanged base first): chr16-86513012-TGCACTCGGCCG-T. GRCh37 (hg19) VCF-style: chr16-86546618-TGCACTCGGCCG-T.
Other names: short protein forms H357fs.
Identifiers: ClinVar variation 2505284 (VCV002505284.1), dbSNP rs2507454270, ClinGen allele CA2580613912.